The following is an entry in ClinVar:

NM_001184.4(ATR):c.605T>C (p.Leu202Ser)

Gene: ATR (ATR checkpoint kinase; minus strand). Cytogenetic location: 3q23.
Variant type: single nucleotide variant.
Coding change: c.605T>C on transcript NM_001184.4 (MANE Select); coding-DNA position 605, T replaced by C.
Protein change: p.Leu202Ser; replaces leucine 202 with serine.
Molecular consequence: missense variant.
Genome position (GRCh38, 1-based): chr3:142,562,797, A>G on the plus strand (T>C on the coding strand, the complement: ATR is on the minus strand). VCF-style: chr3-142562797-A-G. GRCh37 (hg19) VCF-style: chr3-142281639-A-G.
Other names: c.605T>C, p.Leu202Ser (NM_001354579.2); short protein forms L202S.
Identifiers: ClinVar variation 1751330 (VCV001751330.2), dbSNP rs2473428723, ClinGen allele CA354826291.

ClinVar aggregate classification (germline): Uncertain significance (1 of 4 stars; one submission).

Conditions:
Inborn genetic diseases. Identifiers: MedGen C0950123, MeSH D030342.

Submission:

Ambry Genetics
Classification: Uncertain significance for Inborn genetic diseases. Last evaluated: 2022-03-02. Review status: criteria provided, single submitter. Criteria: Ambry Variant Classification Scheme 2023. Collection method: clinical testing. Allele origin: germline.
Comment: The p.L202S variant (also known as c.605T>C), located in coding exon 4 of the ATR gene, results from a T to C substitution at nucleotide position 605. The leucine at codon 202 is replaced by serine, an amino acid with dissimilar properties. This amino acid position is conserved. In addition, the in silico prediction for this alteration is inconclusive. Since supporting evidence is limited at this time, the clinical significance of this alteration remains unclear.